The following is an entry in ClinVar:

ClinVar aggregate classification (germline): Uncertain significance. Review status: criteria provided, multiple submitters, no conflicts (2 of 4 stars). 2 submissions from 2 submitters: Uncertain significance (2). Last evaluated 2025-08-14.

Allele frequency attached by ClinVar (database versions not stated): gnomAD 0.00001 and 0.00002; TOPMed 0.00002; gnomAD exomes 0.00005 and 0.00007; ExAC 0.00011.

Submissions (2):

Labcorp Genetics (formerly Invitae), Labcorp
Classification: Uncertain significance. Last evaluated: 2025-08-14. Review status: criteria provided, single submitter. Criteria: Invitae Variant Classification Sherloc (09022015). Collection method: clinical testing. Allele origin: germline.
Comment: This sequence change replaces arginine, which is basic and polar, with glutamine, which is neutral and polar, at codon 711 of the SEMA4A protein (p.Arg711Gln). This variant is present in population databases (rs765817156, gnomAD 0.05%). This variant has not been reported in the literature in individuals affected with SEMA4A-related conditions. ClinVar contains an entry for this variant (Variation ID: 846257). An algorithm developed to predict the effect of missense changes on protein structure and function outputs the following: PolyPhen-2: "Benign". The glutamine amino acid residue is found in multiple mammalian species, which suggests that this missense change does not adversely affect protein function. In summary, the available evidence is currently insufficient to determine the role of this variant in disease. Therefore, it has been classified as a Variant of Uncertain Significance.

Ambry Genetics
Classification: Uncertain significance. Last evaluated: 2025-02-26. Review status: criteria provided, single submitter. Criteria: Ambry Variant Classification Scheme 2023. Collection method: clinical testing. Allele origin: germline.

NM_022367.4(SEMA4A):c.2132G>A (p.Arg711Gln)

Gene: SEMA4A (semaphorin 4A; plus strand). Cytogenetic location: 1q22.
Variant type: single nucleotide variant.
Coding change: c.2132G>A on transcript NM_022367.4 (MANE Select); coding-DNA position 2132, G replaced by A.
Protein change: p.Arg711Gln; replaces arginine 711 with glutamine.
Molecular consequence: missense variant.
Genome position (GRCh38, 1-based): chr1:156,176,843, G>A. VCF-style: chr1-156176843-G-A. GRCh37 (hg19) VCF-style: chr1-156146634-G-A.
Other names: c.2132G>A, p.Arg711Gln (NM_001193300.2, NM_001193301.2, NM_001370567.1); c.1736G>A, p.Arg579Gln (NM_001193302.2); c.1835G>A, p.Arg612Gln (NM_001370568.1); c.1625G>A, p.Arg542Gln (NM_001370569.1, NM_001370571.1); short protein forms R542Q, R612Q, R579Q, R711Q.
Identifiers: ClinVar variation 846257 (VCV000846257.10), dbSNP rs765817156, ClinGen allele CA1155530.